The following is an entry in ClinVar:

ClinVar aggregate classification (germline): Uncertain significance. Review status: criteria provided, multiple submitters, no conflicts (2 of 4 stars). 3 submissions from 3 submitters: Uncertain significance (3). Last evaluated 2024-04-01.

Conditions:
Inborn genetic diseases. Identifiers: MedGen C0950123, MeSH D030342.

Allele frequency attached by ClinVar (database versions not stated): TOPMed 0.00002; ExAC 0.00003.
gnomAD v4.1: 31 of 1,613,220 alleles (0.0019%); highest among the groups gnomAD compares: Non-Finnish European, 0.0022%; no homozygotes.

Submissions (3):

CeGaT Center for Human Genetics Tuebingen
Classification: Uncertain significance. Last evaluated: 2024-04-01. Review status: criteria provided, single submitter. Criteria: CeGaT Center For Human Genetics Tuebingen Variant Classification Criteria Version 2. Collection method: clinical testing. Allele origin: germline. Affected: yes. Observed: 1 variant allele.
Comment: RTTN: PM2, BP4

Ambry Genetics
Classification: Uncertain significance for Inborn genetic diseases. Last evaluated: 2023-12-27. Review status: criteria provided, single submitter. Criteria: Ambry Variant Classification Scheme 2023. Collection method: clinical testing. Allele origin: germline.

Labcorp Genetics (formerly Invitae), Labcorp
Classification: Uncertain significance. Last evaluated: 2022-11-08. Review status: criteria provided, single submitter. Criteria: Invitae Variant Classification Sherloc (09022015). Collection method: clinical testing. Allele origin: germline.
Comment: In summary, the available evidence is currently insufficient to determine the role of this variant in disease. Therefore, it has been classified as a Variant of Uncertain Significance. Advanced modeling of protein sequence and biophysical properties (such as structural, functional, and spatial information, amino acid conservation, physicochemical variation, residue mobility, and thermodynamic stability) performed at Invitae indicates that this missense variant is not expected to disrupt RTTN protein function. This variant has not been reported in the literature in individuals affected with RTTN-related conditions. This variant is present in population databases (rs748101620, gnomAD 0.006%). This sequence change replaces leucine, which is neutral and non-polar, with valine, which is neutral and non-polar, at codon 1187 of the RTTN protein (p.Leu1187Val).

NM_173630.4(RTTN):c.3559C>G (p.Leu1187Val)

Gene: RTTN (rotatin; minus strand). Cytogenetic location: 18q22.2.
Variant type: single nucleotide variant.
Coding change: c.3559C>G on transcript NM_173630.4 (MANE Select); coding-DNA position 3559, C replaced by G.
Protein change: p.Leu1187Val; replaces leucine 1187 with valine.
Molecular consequence: missense variant.
Genome position (GRCh38, 1-based): chr18:70,114,569, G>C on the plus strand (C>G on the coding strand, the complement: RTTN is on the minus strand). VCF-style: chr18-70114569-G-C. GRCh37 (hg19) VCF-style: chr18-67781805-G-C.
Other names: c.3559C>G (NM_173630.3); c.823C>G, p.Leu275Val (NM_001318520.2); short protein forms L1187V, L275V.
Identifiers: ClinVar variation 2180331 (VCV002180331.23), dbSNP rs748101620, ClinGen allele CA8995550.
Genomic context (GRCh38, chr18:70,114,569, plus strand): 5'-GTTGTTGCCTGACAGCAGTCCGGATATCATCTGTTTCTTCTCGTGCCTGTGACTCTGTCA[G>C]AACCAAGAGGTCTAACAGTGGGTTTGCACTCTAAAAAATGAAATTTGTAAAAAATGTATT-3'
Protein context (NP_775901.3, residues 1177-1197): SANPLLDLLV[Leu1187Val]TESQAREETD